The following is an entry in ClinVar:

ClinVar aggregate classification (germline): Conflicting classifications of pathogenicity. Review status: criteria provided, conflicting classifications (1 of 4 stars). 2 submissions from 2 submitters: Pathogenic (1); Uncertain significance (1). Last evaluated 2023-03-10.

Conditions:
Metachromatic leukodystrophy (MLD). Also called: Cerebral sclerosis diffuse metachromatic form; Arylsulfatase A Deficiency; SULFATIDE LIPIDOSIS; ARSA DEFICIENCY; CEREBROSIDE SULFATASE DEFICIENCY; METACHROMATIC LEUKOENCEPHALOPATHY. Identifiers: Orphanet 512, MedGen C0023522, MONDO:0018868, OMIM 250100.

Submissions (3):

Labcorp Genetics (formerly Invitae), Labcorp
Classification: Pathogenic for Metachromatic leukodystrophy. Last evaluated: 2023-03-10. Review status: criteria provided, single submitter. Criteria: Invitae Variant Classification Sherloc (09022015). Collection method: clinical testing. Allele origin: germline.
Comment: This variant disrupts the p.Arg301 amino acid residue in ARSA. Other variant(s) that disrupt this residue have been determined to be pathogenic (PMID: 12809637, 26462614, 30674982). This suggests that this residue is clinically significant, and that variants that disrupt this residue are likely to be disease-causing. Algorithms developed to predict the effect of sequence changes on RNA splicing suggest that this variant may disrupt the consensus splice site. Advanced modeling of protein sequence and biophysical properties (such as structural, functional, and spatial information, amino acid conservation, physicochemical variation, residue mobility, and thermodynamic stability) performed at Invitae indicates that this missense variant is expected to disrupt ARSA protein function. ClinVar contains an entry for this variant (Variation ID: 197680). This missense change has been observed in individual(s) with clinical features of ARSA-related conditions (Invitae). In at least one individual the data is consistent with being in trans (on the opposite chromosome) from a pathogenic variant. This variant is not present in population databases (gnomAD no frequency). This sequence change replaces arginine, which is basic and polar, with glycine, which is neutral and non-polar, at codon 301 of the ARSA protein (p.Arg301Gly). For these reasons, this variant has been classified as Pathogenic.

Eurofins Ntd Llc (ga)
Classification: Uncertain significance. Last evaluated: 2016-10-27. Review status: criteria provided, single submitter. Criteria: EGL Classification Definitions 2015. Collection method: clinical testing. Allele origin: germline. Observed: 2 variant alleles, 2 heterozygotes.

Gelb Laboratory, University of Washington
No classification provided (evidence only). Condition: Metachromatic leukodystrophy. Review status: no classification provided. Collection method: in vitro. Allele origin: not applicable. Functional consequence: loss of function. Not counted in ClinVar's aggregate classification.

Literature cited by the submitters: PubMed 12809637 (cited by Labcorp Genetics (formerly Invitae), Labcorp); PubMed 26462614 (cited by Labcorp Genetics (formerly Invitae), Labcorp); PubMed 30674982 (cited by Labcorp Genetics (formerly Invitae), Labcorp).

NM_000487.6(ARSA):c.901C>G (p.Arg301Gly)

Gene: ARSA (arylsulfatase A; minus strand). Cytogenetic location: 22q13.33.
Variant type: single nucleotide variant.
Coding change: c.901C>G on transcript NM_000487.6 (MANE Select); coding-DNA position 901, C replaced by G.
Protein change: p.Arg301Gly; replaces arginine 301 with glycine.
Molecular consequence: missense variant.
Genome position (GRCh38, 1-based): chr22:50,626,232, G>C on the plus strand (C>G on the coding strand, the complement: ARSA is on the minus strand). VCF-style: chr22-50626232-G-C. GRCh37 (hg19) VCF-style: chr22-51064660-G-C.
Other names: c.901C>G, p.Arg301Gly (NM_001085425.3, NM_001085426.3, NM_001085427.3); c.643C>G, p.Arg215Gly (NM_001085428.3, NM_001362782.2); short protein forms R301G, R215G.
Identifiers: ClinVar variation 197680 (VCV000197680.15), dbSNP rs794727704, ClinGen allele CA245949.